The following is an entry in ClinVar:

ClinVar aggregate classification (germline): Likely benign (0 of 4 stars; one submission).

Conditions:
HTR2C-related disorder. Also called: HTR2C-related condition.

Allele frequency attached by ClinVar (database versions not stated): gnomAD 0.00001; TOPMed 0.00001; gnomAD exomes 0.00002.
gnomAD v4.1: 25 of 1,208,330 alleles (0.0021%); highest among the groups gnomAD compares: Non-Finnish European, 0.0028%; no homozygotes.

Submission:

PreventionGenetics, part of Exact Sciences
Classification: Likely benign for HTR2C-related condition. Last evaluated: 2022-02-17. Review status: no assertion criteria provided. Collection method: clinical testing. Allele origin: germline.
Comment: This variant is classified as likely benign based on ACMG/AMP sequence variant interpretation guidelines (Richards et al. 2015 PMID: 25741868, with internal and published modifications).

NM_000868.4(HTR2C):c.1011T>C (p.Cys337=)

Genes: HTR2C (5-hydroxytryptamine receptor 2C; plus strand), LOC126863306 (MED14-independent group 3 enhancer GRCh37_chrX:114140926-114142125; plus strand). Cytogenetic location: Xq23.
Variant type: single nucleotide variant.
Coding change: c.1011T>C on transcript NM_000868.4 (MANE Select); coding-DNA position 1011, T replaced by C.
Protein change: p.Cys337=; no amino-acid change (cysteine 337 retained).
Molecular consequence: synonymous variant. On other transcripts: 3 prime UTR variant (1).
Genome position (GRCh38, 1-based): chrX:114,907,049, T>C. VCF-style: chrX-114907049-T-C. GRCh37 (hg19) VCF-style: chrX-114141612-T-C.
Other names: c.1011T>C, p.Cys337= (NM_001256760.3); c.*169T>C (NM_001256761.3).
Identifiers: ClinVar variation 3048281 (VCV003048281.2), dbSNP rs1203262132, ClinGen allele CA518448809.
Genomic context (GRCh38, chrX:114,907,049, plus strand): 5'-CTTTGTGTTTCTGATCATGTGGTGCCCATTTTTCATTACCAATATTCTGTCTGTTCTTTG[T>C]GAGAAGTCCTGTAACCAAAAGCTCATGGAAAAGCTTCTGAATGTGTTTGTTTGGATTGGC-3'
Protein context (NP_000859.2, residues 327-347): FFITNILSVL[Cys337=]EKSCNQKLME